The following is an entry in ClinVar:

ClinVar aggregate classification (germline): Uncertain significance (1 of 4 stars; one submission).

Conditions:
Familial hemiplegic migraine. Identifiers: MedGen C0338484, MONDO:0000700.

Allele frequency attached by ClinVar (database versions not stated): gnomAD exomes 0.00001.
gnomAD v4.1: 6 of 1,614,070 alleles (0.00037%); highest among the groups gnomAD compares: South Asian, 0.0044%; no homozygotes.

Submission:

Labcorp Genetics (formerly Invitae), Labcorp
Classification: Uncertain significance for Familial hemiplegic migraine. Last evaluated: 2024-01-20. Review status: criteria provided, single submitter. Criteria: Invitae Variant Classification Sherloc (09022015). Collection method: clinical testing. Allele origin: germline.
Comment: This sequence change falls in intron 17 of the ATP1A2 gene. It does not directly change the encoded amino acid sequence of the ATP1A2 protein. It affects a nucleotide within the consensus splice site. This variant is not present in population databases (gnomAD no frequency). This variant has not been reported in the literature in individuals affected with ATP1A2-related conditions. Variants that disrupt the consensus splice site are a relatively common cause of aberrant splicing (PMID: 17576681, 9536098). Algorithms developed to predict the effect of sequence changes on RNA splicing suggest that this variant is not likely to affect RNA splicing. In summary, the available evidence is currently insufficient to determine the role of this variant in disease. Therefore, it has been classified as a Variant of Uncertain Significance.

Literature cited by the submitters: PubMed 17576681; PubMed 9536098.

NM_000702.4(ATP1A2):c.2439+3G>A

Gene: ATP1A2 (ATPase Na+/K+ transporting subunit alpha 2; plus strand). Cytogenetic location: 1q23.2.
Variant type: single nucleotide variant.
Coding change: c.2439+3G>A on transcript NM_000702.4 (MANE Select); 3 bases into the intron after coding-DNA position 2439, G replaced by A.
Molecular consequence: intron variant.
Genome position (GRCh38, 1-based): chr1:160,135,996, G>A. VCF-style: chr1-160135996-G-A. GRCh37 (hg19) VCF-style: chr1-160105786-G-A.
Identifiers: ClinVar variation 2710426 (VCV002710426.3), dbSNP rs2524888731, ClinGen allele CA2568244849.